The following is an entry in ClinVar:

ClinVar aggregate classification (germline): Pathogenic (1 of 4 stars; one submission).

Conditions:
Neuronal ceroid lipofuscinosis. Also called: Neuronal Ceroid Lipofuscinoses. Identifiers: Orphanet 216, Orphanet 79263, MedGen C0027877, MONDO:0016295. Disease mechanism: loss of function.

gnomAD v4.1: 1 of 1,611,710 alleles (0.000062%); highest among the groups gnomAD compares: Non-Finnish European, 0.000085%; no homozygotes.

Submission:

Labcorp Genetics (formerly Invitae), Labcorp
Classification: Pathogenic for Neuronal ceroid lipofuscinosis. Last evaluated: 2025-04-27. Review status: criteria provided, single submitter. Criteria: Invitae Variant Classification Sherloc (09022015). Collection method: clinical testing. Allele origin: germline.
Comment: This sequence change creates a premature translational stop signal (p.Glu235*) in the CLN3 gene. It is expected to result in an absent or disrupted protein product. Loss-of-function variants in CLN3 are known to be pathogenic (PMID: 9311735, 28542676). This variant is not present in population databases (gnomAD no frequency). This variant has not been reported in the literature in individuals affected with CLN3-related conditions. Algorithms developed to predict the effect of sequence changes on RNA splicing suggest that this variant may disrupt the consensus splice site. For these reasons, this variant has been classified as Pathogenic.

Literature cited by the submitters: PubMed 9311735; PubMed 28542676.

NM_001042432.2(CLN3):c.703G>T (p.Glu235Ter)

Gene: CLN3 (CLN3 lysosomal/endosomal transmembrane protein, battenin; minus strand). Cytogenetic location: 16p12.1.
Variant type: single nucleotide variant.
Coding change: c.703G>T on transcript NM_001042432.2 (MANE Select); coding-DNA position 703, G replaced by T.
Protein change: p.Glu235Ter; replaces glutamic acid 235 with a stop codon.
Molecular consequence: nonsense.
Genome position (GRCh38, 1-based): chr16:28,484,093, C>A on the plus strand (G>T on the coding strand, the complement: CLN3 is on the minus strand). VCF-style: chr16-28484093-C-A. GRCh37 (hg19) VCF-style: chr16-28495414-C-A.
Other names: c.703G>T, p.Glu235Ter (NM_000086.2); c.631G>T, p.Glu211Ter (NM_001286104.2); c.403G>T, p.Glu135Ter (NM_001286105.2); c.469G>T, p.Glu157Ter (NM_001286109.2); c.541G>T, p.Glu181Ter (NM_001286110.2); short protein forms E211*, E235*, E181*, E135*, E157*.
Identifiers: ClinVar variation 4718397 (VCV004718397.1).